The following continues an entry in ClinVar:

NM_007294.4(BRCA1):c.1137T>G (p.Ile379Met)

Gene: BRCA1. ClinVar aggregate classification (germline): Benign/Likely benign. Benign (14); Likely benign (7).

Submissions 22 to 31 of 31:

PreventionGenetics, part of Exact Sciences
Classification: Benign for BRCA1-related condition. Last evaluated: 2020-10-30. Review status: no assertion criteria provided. Collection method: clinical testing. Allele origin: germline. Not counted in ClinVar's aggregate classification.
Comment: This variant is classified as benign based on ACMG/AMP sequence variant interpretation guidelines (Richards et al. 2015 PMID: 25741868, with internal and published modifications).

True Health Diagnostics
Classification: Likely benign for Hereditary cancer-predisposing syndrome. Last evaluated: 2018-04-27. Review status: no assertion criteria provided. Collection method: clinical testing. Allele origin: germline. Not counted in ClinVar's aggregate classification.

Mayo Clinic Laboratories, Mayo Clinic
Classification: Benign. Last evaluated: 2017-08-02. Review status: no assertion criteria provided. Collection method: clinical testing. Allele origin: unknown. Not counted in ClinVar's aggregate classification.

CSER _CC_NCGL, University of Washington
Classification: Likely benign for Breast cancer. Last evaluated: 2014-06-01. Review status: no assertion criteria provided. Collection method: research. Allele origin: germline. Inheritance: Autosomal dominant inheritance. Study: ESP 6500 variant annotation. Not counted in ClinVar's aggregate classification.
Comment: Variants classified for the Actionable exomic incidental findings in 6503 participants: challenges of variant classification manuscript

Counsyl
Classification: Likely benign for Breast-ovarian cancer, familial 1. Last evaluated: 2014-01-21. Review status: no assertion criteria provided. Collection method: literature only. Allele origin: unknown. Inheritance: Autosomal dominant inheritance. Not counted in ClinVar's aggregate classification.

ITMI
No classification provided. Condition: AllHighlyPenetrant. Last evaluated: 2013-09-19. Review status: no classification provided. Collection method: reference population. Allele origin: germline. Not counted in ClinVar's aggregate classification.
Comment: Please see associated publication for description of ethnicities

Breast Cancer Information Core (BIC) (BRCA1)
Classification: Benign for Breast-ovarian cancer, familial 1. Last evaluated: 2002-05-29. Review status: no assertion criteria provided. Collection method: clinical testing. Allele origin: germline. Affected: yes. Observed: 25 variant alleles. Not counted in ClinVar's aggregate classification.

Clinical Genetics DNA and cytogenetics Diagnostics Lab, Erasmus MC, Erasmus Medical Center
Classification: Likely benign. Review status: no assertion criteria provided. Collection method: clinical testing. Allele origin: germline. Affected: yes. Study: VKGL Data-share Consensus. Not counted in ClinVar's aggregate classification.

Department of Pathology and Laboratory Medicine, Sinai Health System
Classification: Benign for Malignant tumor of breast. Review status: no assertion criteria provided. Collection method: clinical testing. Allele origin: unknown. Affected: yes. Study: The Canadian Open Genetics Repository (COGR). Not counted in ClinVar's aggregate classification.
Comment: The p.Ile379Met variant was identified in 3 of 634 proband chromosomes (frequency: 0.005) from individuals or families with Breast cancer and was present in 2 of 192 control chromosomes (frequency: 0.01) from healthy individuals (Fackenthal, 2005; McKean-Cowdin, 2005). The variant was also identified in dbSNP (ID: rs56128296) â€šÃ„ÃºWith other alleleâ€šÃ„Ã¹, with a minor allele frequency of 0.002 (1000 Genomes Project), NHLBI Exome Sequencing Project (Exome Variant Server), HGMD, LOVD, ClinVar database (with conflicting data from submitters including BIC (Benign), Counsyl (likely Benign), Invitae and ITMI (not provided), and UMD (10X as a neutral variant). In UMD the variant was identified with a co-occurring pathogenic BRCA1 variant (c.815_824dup (p.Thr276AlafsX14)), increasing the likelihood that the p.Ile379Met variant does not have clinical significance. In the exome Variant Server project the variant was identified in 28 of 4406 African American alleles, increasing the likelihood that this may be a low frequency benign variant in certain populations of origin. Studies suggest this variant is common in African populations and does not have an effect on protein function (McKean-Cowdin, 2005). The p.Ile379 residue is not conserved in mammals and computational analyses (PolyPhen-2, SIFT, AlignGVGD, BLOSUM, MutationTaster) provide inconsistent predictions regarding the impact to the protein; this information is not very predictive of pathogenicity. In addition, in silico or computational prediction software programs (SpliceSiteFinder, MaxEntScan, NNSPLICE, GeneSplicer, HumanSpliceFinder) do not predict a difference in splicing. Functional assays performed by Millot (2012) indicate no reduction in expression when this variant is present. Abkevich (2004) report this variant as having a Grantham score of 10 suggesting little to no effect on the protein. In summary, based on the above information,this variant is classified as benign.

Joint Genome Diagnostic Labs from Nijmegen and Maastricht, Radboudumc and MUMC+
Classification: Likely benign. Review status: no assertion criteria provided. Collection method: clinical testing. Allele origin: germline. Affected: yes. Study: VKGL Data-share Consensus. Not counted in ClinVar's aggregate classification.

Literature cited by the submitters: PubMed 18284688 (cited by Pathway Genomics and Eurofins Ntd Llc (ga)); PubMed 24728327 (cited by Pathway Genomics and ITMI); PubMed 16267036 (cited by Eurofins Ntd Llc (ga) and Counsyl); PubMed 15235020 (cited by Counsyl); PubMed 8807330 (cited by Counsyl); PubMed 21520273 (cited by Counsyl); PubMed 15726418 (cited by Counsyl).